The following is an entry in ClinVar:

NM_001267550.2(TTN):c.70645G>A (p.Val23549Ile)

Genes: TTN-AS1 (TTN antisense RNA 1; plus strand), TTN (titin; minus strand), LOC126806422 (BRD4-independent group 4 enhancer GRCh37_chr2:179440205-179441404; plus strand). Cytogenetic location: 2q31.2.
Variant type: single nucleotide variant.
Coding change: c.70645G>A on transcript NM_001267550.2 (MANE Select); coding-DNA position 70645, G replaced by A.
Protein change: p.Val23549Ile; replaces valine 23549 with isoleucine.
Molecular consequence: missense variant.
Genome position (GRCh38, 1-based): chr2:178,575,487, C>T on the plus strand (G>A on the coding strand, the complement: TTN is on the minus strand). VCF-style: chr2-178575487-C-T. GRCh37 (hg19) VCF-style: chr2-179440214-C-T.
Other names: c.65722G>A, p.Val21908Ile (NM_001256850.1); c.43450G>A, p.Val14484Ile (NM_003319.4); c.62941G>A, p.Val20981Ile (NM_133378.4); c.43825G>A, p.Val14609Ile (NM_133432.3); c.44026G>A, p.Val14676Ile (NM_133437.4); short protein forms V23549I, V14609I, V14484I, V14676I, V20981I, V21908I.
Identifiers: ClinVar variation 404855 (VCV000404855.14), dbSNP rs755669336, ClinGen allele CA1990755.
Genomic context (GRCh38, chr2:178,575,487, plus strand): 5'-TCACATAGCCAGTGATCTTGCTGCCACCATCGTGTTTGGGCTTAGGCCATGCCAGGCTGA[C>T]GGTGCTCTTAGTTATGTCCATGATGTTAAGGCTGTCTGGTGGAGATGGTGCTTCAGAGGC-3'
Protein context (NP_001254479.2, residues 23539-23559): LNIMDITKST[Val23549Ile]SLAWPKPKHD

ClinVar aggregate classification (germline): Conflicting classifications of pathogenicity. Review status: criteria provided, conflicting classifications (1 of 4 stars). 5 submissions from 5 submitters: Uncertain significance (4); Likely benign (1). Last evaluated 2025-08-29.

Conditions:
TTN-related disorder. Also called: TTN-related disorders; TTN-related condition; TTN-related disease.
Autosomal recessive limb-girdle muscular dystrophy type 2J (LGMDR10). Also called: Limb-girdle muscular dystrophy, type 2J; MUSCULAR DYSTROPHY, LIMB-GIRDLE, AUTOSOMAL RECESSIVE 10. Identifiers: Orphanet 140922, MedGen C1837342, MONDO:0012127, OMIM 608807.
Dilated cardiomyopathy 1G (CMD1G). Identifiers: Orphanet 154, MedGen C1858763, MONDO:0011400, OMIM 604145.

Allele frequency attached by ClinVar (database versions not stated): gnomAD exomes 0.00004 and 0.00005; gnomAD 0.00005 and 0.00006; ExAC 0.00006; TOPMed 0.00006.
gnomAD v4.1: 64 of 1,613,524 alleles (0.004%); highest among the groups gnomAD compares: East Asian, 0.011%; no homozygotes.

Submissions (5):

PreventionGenetics, part of Exact Sciences
Classification: Uncertain significance for TTN-related condition. Last evaluated: 2025-08-29. Review status: criteria provided, single submitter. Criteria: ACMG Guidelines, 2015. Collection method: clinical testing. Allele origin: germline.
Comment: The TTN c.70645G>A variant is predicted to result in the amino acid substitution p.Val23549Ile. This variant has been reported as a variant of uncertain significance in a cohort of individuals with left ventricular noncompaction cardiomyopathy (Table S2B, Grebur et al. 2024. PubMed ID: 38380180). This variant is reported in 0.036% of alleles in individuals of East Asian descent in gnomAD. At this time, the clinical significance of this variant is uncertain due to the absence of conclusive functional and genetic evidence.

Revvity Omics, Revvity
Classification: Uncertain significance. Last evaluated: 2024-06-19. Review status: criteria provided, single submitter. Criteria: ACMG Guidelines, 2015. Collection method: clinical testing. Allele origin: germline.

Mayo Clinic Laboratories, Mayo Clinic
Classification: Uncertain significance. Last evaluated: 2020-03-19. Review status: criteria provided, single submitter. Criteria: ACMG Guidelines, 2015. Collection method: clinical testing. Allele origin: germline. Observed: 1 variant allele.

GeneDx
Classification: Likely benign. Last evaluated: 2018-10-16. Review status: criteria provided, single submitter. Criteria: GeneDx Variant Classification Process June 2021. Collection method: clinical testing. Allele origin: germline. Affected: yes.

Labcorp Genetics (formerly Invitae), Labcorp
Classification: Uncertain significance for Dilated cardiomyopathy 1G; Autosomal recessive limb-girdle muscular dystrophy type 2J. Last evaluated: 2017-11-07. Review status: criteria provided, single submitter. Criteria: Invitae Variant Classification Sherloc (09022015). Collection method: clinical testing. Allele origin: germline.